The following is an entry in ClinVar:

ClinVar aggregate classification (germline): Uncertain significance. Review status: criteria provided, multiple submitters, no conflicts (2 of 4 stars). 4 submissions from 4 submitters: Uncertain significance (3). 1 of the submissions does not count toward it. Last evaluated 2025-08-15.

Conditions:
WFS1-related disorder. Identifiers: MedGen CN379391, MONDO:0700293.
Cataract 41 (CTRCT41). Also called: CATARACT 41, CONGENITAL NUCLEAR TYPE. Identifiers: Orphanet 91492, Orphanet 98991, Orphanet 98992, Orphanet 98995, MedGen C3805412, MONDO:0007287, OMIM 116400.
Wolfram syndrome 1 (WFS1). Identifiers: Orphanet 3463, MedGen C4551693, MONDO:0009101, OMIM 222300.
Autosomal dominant nonsyndromic hearing loss 6 (LFSNHL). Also called: DEAFNESS, AUTOSOMAL DOMINANT 6; DEAFNESS, AUTOSOMAL DOMINANT 14; DEAFNESS, AUTOSOMAL DOMINANT 38; Autosomal dominant nonsyndromic deafness 6. Identifiers: Orphanet 90635, MedGen C1833021, MONDO:0010963, OMIM 600965.
Wolfram-like syndrome. Also called: HEARING LOSS, PROGRESSIVE, WITH OPTIC ATROPHY AND/OR IMPAIRED GLUCOSE REGULATION. Identifiers: Orphanet 411590, MedGen C3280358, MONDO:0013673, OMIM 614296.
Type 2 diabetes mellitus. Also called: Type II diabetes mellitus. Identifiers: MedGen C0011860, MeSH D003924, MONDO:0005148, OMIM 125853, HP:0005978.

Allele frequency attached by ClinVar (database versions not stated): gnomAD 0.00001 and 0.00003; gnomAD exomes 0.00001; TOPMed 0.00004.
gnomAD v4.1: 17 of 1,578,484 alleles (0.0011%); highest among the groups gnomAD compares: Middle Eastern, 0.017%; no homozygotes.

Submissions (4):

Labcorp Genetics (formerly Invitae), Labcorp
Classification: Uncertain significance. Last evaluated: 2025-08-15. Review status: criteria provided, single submitter. Criteria: Invitae Variant Classification Sherloc (09022015). Collection method: clinical testing. Allele origin: germline.
Comment: This sequence change replaces arginine, which is basic and polar, with glutamine, which is neutral and polar, at codon 147 of the WFS1 protein (p.Arg147Gln). The frequency data for this variant in the population databases is considered unreliable, as metrics indicate poor data quality at this position in the gnomAD database. This variant has not been reported in the literature in individuals affected with WFS1-related conditions. ClinVar contains an entry for this variant (Variation ID: 1386944). Invitae Evidence Modeling of protein sequence and biophysical properties (such as structural, functional, and spatial information, amino acid conservation, physicochemical variation, residue mobility, and thermodynamic stability) indicates that this missense variant is not expected to disrupt WFS1 protein function with a negative predictive value of 95%. In summary, the available evidence is currently insufficient to determine the role of this variant in disease. Therefore, it has been classified as a Variant of Uncertain Significance.

GeneDx
Classification: Uncertain significance. Last evaluated: 2024-09-26. Review status: criteria provided, single submitter. Criteria: GeneDx Variant Classification Process June 2021. Collection method: clinical testing. Allele origin: germline. Affected: yes.
Comment: In silico analysis indicates that this missense variant does not alter protein structure/function; Has not been previously published as pathogenic or benign to our knowledge

Fulgent Genetics
Classification: Uncertain significance for Cataract 41; Type 2 diabetes mellitus; Wolfram syndrome 1; Autosomal dominant nonsyndromic hearing loss 6; Wolfram-like syndrome. Last evaluated: 2024-01-24. Review status: criteria provided, single submitter. Criteria: ACMG Guidelines, 2015. Collection method: clinical testing. Allele origin: germline.

PreventionGenetics, part of Exact Sciences
Classification: Uncertain significance for WFS1-related condition. Last evaluated: 2024-05-22. Review status: no assertion criteria provided. Collection method: clinical testing. Allele origin: germline. Not counted in ClinVar's aggregate classification.
Comment: The WFS1 c.440G>A variant is predicted to result in the amino acid substitution p.Arg147Gln. To our knowledge, this variant has not been reported in the literature. This variant is reported in 0.0071% of alleles in individuals of Latino descent in gnomAD. At this time, the clinical significance of this variant is uncertain due to the absence of conclusive functional and genetic evidence.

NM_006005.3(WFS1):c.440G>A (p.Arg147Gln)

Gene: WFS1 (wolframin ER transmembrane glycoprotein; plus strand). Cytogenetic location: 4p16.1.
Variant type: single nucleotide variant.
Coding change: c.440G>A on transcript NM_006005.3 (MANE Select); coding-DNA position 440, G replaced by A.
Protein change: p.Arg147Gln; replaces arginine 147 with glutamine.
Molecular consequence: missense variant.
Genome position (GRCh38, 1-based): chr4:6,289,111, G>A. VCF-style: chr4-6289111-G-A. GRCh37 (hg19) VCF-style: chr4-6290838-G-A.
Other names: c.440G>A, p.Arg147Gln (NM_001145853.1); short protein forms R147Q.
Identifiers: ClinVar variation 1386944 (VCV001386944.11), dbSNP rs887901169, ClinGen allele CA91794317.
Genomic context (GRCh38, chr4:6,289,111, plus strand): 5'-TGGACTGGCTGGTCCTCGCCGCGAAGCAGGGCCGTCGCGAGGCTGTGAAGCTGCTTCGCC[G>A]GTGCTTGGCGGACAGAAGAGGTGGGTCTGTGTGAGGCTTAGAACAGCCTCTGGAGGGTTG-3'
Protein context (NP_005996.2, residues 137-157): GRREAVKLLR[Arg147Gln]CLADRRGITS